The following is an entry in ClinVar:

ClinVar aggregate classification (germline): Uncertain significance (1 of 4 stars; one submission).

Conditions:
Bardet-Biedl syndrome (BBS). Identifiers: Orphanet 110, MedGen C0752166, MONDO:0015229.

Submission:

Labcorp Genetics (formerly Invitae), Labcorp
Classification: Uncertain significance for Bardet-Biedl syndrome. Last evaluated: 2021-10-04. Review status: criteria provided, single submitter. Criteria: Invitae Variant Classification Sherloc (09022015). Collection method: clinical testing. Allele origin: germline.
Comment: In summary, the available evidence is currently insufficient to determine the role of this variant in disease. Therefore, it has been classified as a Variant of Uncertain Significance. Algorithms developed to predict the effect of missense changes on protein structure and function (SIFT, PolyPhen-2, Align-GVGD) all suggest that this variant is likely to be tolerated. This variant has not been reported in the literature in individuals affected with BBS4-related conditions. This variant is not present in population databases (ExAC no frequency). This sequence change replaces arginine with threonine at codon 359 of the BBS4 protein (p.Arg359Thr). The arginine residue is moderately conserved and there is a moderate physicochemical difference between arginine and threonine.

NM_033028.5(BBS4):c.1076G>C (p.Arg359Thr)

Gene: BBS4 (Bardet-Biedl syndrome 4; plus strand). Cytogenetic location: 15q24.1.
Variant type: single nucleotide variant.
Coding change: c.1076G>C on transcript NM_033028.5 (MANE Select); coding-DNA position 1076, G replaced by C.
Protein change: p.Arg359Thr; replaces arginine 359 with threonine.
Molecular consequence: missense variant. On other transcripts: non-coding transcript variant (2).
Genome position (GRCh38, 1-based): chr15:72,735,152, G>C. VCF-style: chr15-72735152-G-C. GRCh37 (hg19) VCF-style: chr15-73027493-G-C.
Other names: c.560G>C, p.Arg187Thr (NM_001252678.2); c.1007G>C, p.Arg336Thr (NM_001320665.2); short protein forms R187T, R359T, R336T.
Identifiers: ClinVar variation 1461963 (VCV001461963.6), dbSNP rs367767132, ClinGen allele CA393079637.
Genomic context (GRCh38, chr15:72,735,152, plus strand): 5'-GCAGTGCTTTCTTTGTTGCAGTGGCTCTGACCAATCTGGAAGATATAGAAAATGCCAAGA[G>C]AGCCTACGCAGAAGCAGTCCACCTGGATAAGTATGCACTTTGTTGAGAATGGTACTGGCG-3'
Protein context (NP_149017.2, residues 349-369): TNLEDIENAK[Arg359Thr]AYAEAVHLDK